The following is an entry in ClinVar:

NM_000297.4(PKD2):c.1580A>G (p.Tyr527Cys)

Gene: PKD2 (polycystin 2, transient receptor potential cation channel; plus strand). Cytogenetic location: 4q22.1.
Variant type: single nucleotide variant.
Coding change: c.1580A>G on transcript NM_000297.4 (MANE Select); coding-DNA position 1580, A replaced by G.
Protein change: p.Tyr527Cys; replaces tyrosine 527 with cysteine.
Molecular consequence: missense variant. On other transcripts: non-coding transcript variant (1).
Genome position (GRCh38, 1-based): chr4:88,052,022, A>G. VCF-style: chr4-88052022-A-G. GRCh37 (hg19) VCF-style: chr4-88973174-A-G.
Other names: c.1580A>G (NM_000297.3); short protein forms Y527C.
Identifiers: ClinVar variation 2053755 (VCV002053755.6), dbSNP rs754868200, ClinGen allele CA3003994.

ClinVar aggregate classification (germline): Uncertain significance. Review status: criteria provided, multiple submitters, no conflicts (2 of 4 stars). 3 submissions from 3 submitters: Uncertain significance (3). Last evaluated 2026-01-27.

Conditions:
Inborn genetic diseases. Identifiers: MedGen C0950123, MeSH D030342.
Autosomal dominant polycystic kidney disease. Identifiers: Orphanet 730, MedGen C0085413, MONDO:0004691.
Polycystic kidney disease 2 (PKD2). Also called: POLYCYSTIC KIDNEY DISEASE 2 WITH OR WITHOUT POLYCYSTIC LIVER DISEASE; POLYCYSTIC KIDNEY DISEASE, ADULT, TYPE II; Polycystic Kidney Disease 2, Autosomal Dominant. Identifiers: MedGen C2751306, MONDO:0013131, OMIM 613095.

Allele frequency attached by ClinVar (database versions not stated): TOPMed below 0.00001; ExAC 0.00001; gnomAD 0.00001; gnomAD exomes 0.00001.
gnomAD v4.1: 20 of 1,597,956 alleles (0.0013%); highest among the groups gnomAD compares: Non-Finnish European, 0.0017%; no homozygotes.

Submissions (3):

Labcorp Genetics (formerly Invitae), Labcorp
Classification: Uncertain significance for Autosomal dominant polycystic kidney disease. Last evaluated: 2026-01-27. Review status: criteria provided, single submitter. Criteria: Invitae Variant Classification Sherloc (09022015). Collection method: clinical testing. Allele origin: germline.
Comment: This sequence change replaces tyrosine, which is neutral and polar, with cysteine, which is neutral and slightly polar, at codon 527 of the PKD2 protein (p.Tyr527Cys). This variant is present in population databases (rs754868200, gnomAD 0.004%). This variant has not been reported in the literature in individuals affected with PKD2-related conditions. ClinVar contains an entry for this variant (Variation ID: 2053755). Invitae Evidence Modeling of protein sequence and biophysical properties (such as structural, functional, and spatial information, amino acid conservation, physicochemical variation, residue mobility, and thermodynamic stability) indicates that this missense variant is not expected to disrupt PKD2 protein function with a negative predictive value of 80%. In summary, the available evidence is currently insufficient to determine the role of this variant in disease. Therefore, it has been classified as a Variant of Uncertain Significance.

Ambry Genetics
Classification: Uncertain significance for Inborn genetic diseases. Last evaluated: 2025-10-17. Review status: criteria provided, single submitter. Criteria: Ambry Variant Classification Scheme 2023. Collection method: clinical testing. Allele origin: germline.

Fulgent Genetics
Classification: Uncertain significance for Polycystic kidney disease 2. Last evaluated: 2024-02-07. Review status: criteria provided, single submitter. Criteria: ACMG Guidelines, 2015. Collection method: clinical testing. Allele origin: germline.